The following is an entry in ClinVar:

NM_014319.5(LEMD3):c.1754del (p.Asn585fs)

Gene: LEMD3 (LEM domain containing 3; plus strand). Cytogenetic location: 12q14.3.
Variant type: Deletion.
Coding change: c.1754del on transcript NM_014319.5 (MANE Select); coding-DNA position 1754, one base deleted (A; older notation c.1754delA).
Protein change: p.Asn585fs; shifts the reading frame from asparagine 585.
Molecular consequence: frameshift variant.
Genome position (GRCh38, 1-based): chr12:65,238,560, A deleted; the last of 4 consecutive A bases (chr12:65,238,557-65,238,560); deleting any one gives the same sequence. VCF-style (leftmost placement, unchanged base first): chr12-65238556-GA-G. GRCh37 (hg19) VCF-style: chr12-65632336-GA-G.
Other names: c.1751del, p.Asn584fs (NM_001167614.2); short protein forms N584fs, N585fs.
Identifiers: ClinVar variation 3383393 (VCV003383393.2).

ClinVar aggregate classification (germline): Pathogenic (1 of 4 stars; one submission).

Submission:

Centre of Medical Genetics, University Hospital Muenster
Classification: Pathogenic. Last evaluated: 2024-09-30. Review status: criteria provided, single submitter. Criteria: ACMG Guidelines, 2015. Collection method: clinical testing. Allele origin: unknown. Affected: yes. Observed: 1 variant allele, 1 heterozygote.
Comment: ACMG categories: PVS1,PM2,PP4